The following is an entry in ClinVar:

ClinVar aggregate classification (germline): Pathogenic/Likely pathogenic. Review status: criteria provided, multiple submitters, no conflicts (2 of 4 stars). 3 submissions from 3 submitters: Pathogenic (1); Likely pathogenic (2). Last evaluated 2024-06-02.

Conditions:
Tyrosinase-positive oculocutaneous albinism (OCA2). Also called: ALBINISM II; Oculocutaneous albinism type 2; Albinism, oculocutaneous, type II. Identifiers: Orphanet 79432, MedGen C0268495, MONDO:0008746, OMIM 203200.
SKIN/HAIR/EYE PIGMENTATION 1, BLUE/NONBLUE EYES (SHEP1). Also called: BROWN EYE COLOR 2; EYE COLOR 3; EYE COLOR, BLUE/NONBLUE; EYE COLOR, BROWN/BLUE; HAIR COLOR 3; SKIN/HAIR/EYE PIGMENTATION 1, BLOND/BROWN HAIR. Identifiers: MedGen C1856895, OMIM 227220.

Submissions (3):

Labcorp Genetics (formerly Invitae), Labcorp
Classification: Pathogenic. Last evaluated: 2024-06-02. Review status: criteria provided, single submitter. Criteria: Invitae Variant Classification Sherloc (09022015). Collection method: clinical testing. Allele origin: germline.
Comment: This sequence change creates a premature translational stop signal (p.Pro25Argfs*4) in the OCA2 gene. It is expected to result in an absent or disrupted protein product. Loss-of-function variants in OCA2 are known to be pathogenic (PMID: 19865097, 21541274). This variant is present in population databases (rs747408689, gnomAD 0.02%). This variant has not been reported in the literature in individuals affected with OCA2-related conditions. ClinVar contains an entry for this variant (Variation ID: 1454228). For these reasons, this variant has been classified as Pathogenic.

Fulgent Genetics
Classification: Likely pathogenic for Tyrosinase-positive oculocutaneous albinism; SKIN/HAIR/EYE PIGMENTATION 1, BLUE/NONBLUE EYES. Last evaluated: 2024-04-26. Review status: criteria provided, single submitter. Criteria: ACMG Guidelines, 2015. Collection method: clinical testing. Allele origin: germline.

Baylor Genetics
Classification: Likely pathogenic for SKIN/HAIR/EYE PIGMENTATION 1, BLUE/NONBLUE EYES. Last evaluated: 2024-03-25. Review status: criteria provided, single submitter. Criteria: ACMG Guidelines, 2015. Collection method: clinical testing. Allele origin: unknown.

Literature cited by the submitters: PubMed 19865097 (cited by Labcorp Genetics (formerly Invitae), Labcorp); PubMed 21541274 (cited by Labcorp Genetics (formerly Invitae), Labcorp).

NM_000275.3(OCA2):c.74_78del (p.Pro25fs)

Gene: OCA2 (OCA2 melanosomal transmembrane protein; minus strand). Cytogenetic location: 15q13.1.
Variant type: Deletion.
Coding change: c.74_78del on transcript NM_000275.3 (MANE Select); coding-DNA positions 74 to 78, 5 bases deleted (CCAGC; older notation c.74_78delCCAGC).
Protein change: p.Pro25fs; shifts the reading frame from proline 25.
Molecular consequence: frameshift variant.
Genome position (GRCh38, 1-based): chr15:28,081,797-28,081,801, GCTGG deleted on the plus strand (CCAGC on the coding strand, the reverse complement: OCA2 is on the minus strand); deleting any 5 consecutive bases within chr15:28,081,797-28,081,803 gives the same sequence; the c. name uses the placement nearest the transcript's 3' end. VCF-style (leftmost placement, unchanged base first): chr15-28081796-CGCTGG-C. GRCh37 (hg19) VCF-style: chr15-28326942-CGCTGG-C.
Other names: c.74_78del, p.Pro25fs (NM_001300984.2); short protein forms P25fs.
Identifiers: ClinVar variation 1454228 (VCV001454228.10), dbSNP rs747408689, ClinGen allele CA7439594.